The following is an entry in ClinVar:

NM_000642.3(AGL):c.1899+3A>G

Gene: AGL (amylo-alpha-1,6-glucosidase and 4-alpha-glucanotransferase; plus strand). Cytogenetic location: 1p21.2.
Variant type: single nucleotide variant.
Coding change: c.1899+3A>G on transcript NM_000642.3 (MANE Select); 3 bases into the intron after coding-DNA position 1899, A replaced by G.
Molecular consequence: intron variant.
Genome position (GRCh38, 1-based): chr1:99,880,798, A>G. VCF-style: chr1-99880798-A-G. GRCh37 (hg19) VCF-style: chr1-100346354-A-G.
Other names: c.1899+3A>G (NM_000643.3, NM_000644.3, NM_001425326.1 and 2 more transcripts); c.1851+3A>G (NM_000646.3); c.1698+3A>G (NM_001425327.1); c.1695+3A>G (NM_001425328.1, NM_001425329.1); c.1521+3A>G (NM_001425332.1).
Identifiers: ClinVar variation 990718 (VCV000990718.3), dbSNP rs1461972561, ClinGen allele CA524878411.
Genomic context (GRCh38, chr1:99,880,798, plus strand): 5'-AGCTATTGCACATGCCCTGTTTATGGATATTACGCATGATAATGAGTGTCCTATTGTGGT[A>G]AGCACCTAATCTTTTTCATGTACTTATTTTGCTAAATGCTTTGATATTTAACTCTCTGAC-3'

ClinVar aggregate classification (germline): Uncertain significance. Review status: criteria provided, single submitter (1 of 4 stars). 2 submissions from 2 submitters: Uncertain significance (1). 1 of the submissions does not count toward it. Last evaluated 2022-06-29.

Conditions:
Glycogen storage disease type III (GSD3). Also called: Cori disease; FORBES DISEASE. Identifiers: Orphanet 366, MedGen C0017922, MONDO:0009291, OMIM 232400.

Allele frequency attached by ClinVar (database versions not stated): TOPMed below 0.00001; gnomAD exomes 0.00001.
gnomAD v4.1: 4 of 1,613,864 alleles (0.00025%); highest among the groups gnomAD compares: Admixed American, 0.0067%; no homozygotes.

Submissions (2):

Labcorp Genetics (formerly Invitae), Labcorp
Classification: Uncertain significance for Glycogen storage disease type III. Last evaluated: 2022-06-29. Review status: criteria provided, single submitter. Criteria: Invitae Variant Classification Sherloc (09022015). Collection method: clinical testing. Allele origin: germline.
Comment: This sequence change falls in intron 14 of the AGL gene. It does not directly change the encoded amino acid sequence of the AGL protein. It affects a nucleotide within the consensus splice site. This variant is present in population databases (no rsID available, gnomAD 0.01%), including at least one homozygous and/or hemizygous individual. This variant has not been reported in the literature in individuals affected with AGL-related conditions. ClinVar contains an entry for this variant (Variation ID: 990718). Variants that disrupt the consensus splice site are a relatively common cause of aberrant splicing (PMID: 17576681, 9536098). Algorithms developed to predict the effect of sequence changes on RNA splicing suggest that this variant is not likely to affect RNA splicing. In summary, the available evidence is currently insufficient to determine the role of this variant in disease. Therefore, it has been classified as a Variant of Uncertain Significance.

Natera, Inc.
Classification: Uncertain significance for Glycogen storage disease type III. Last evaluated: 2020-08-28. Review status: no assertion criteria provided. Collection method: clinical testing. Allele origin: germline. Not counted in ClinVar's aggregate classification.

Literature cited by the submitters: PubMed 17576681 (cited by Labcorp Genetics (formerly Invitae), Labcorp); PubMed 9536098 (cited by Labcorp Genetics (formerly Invitae), Labcorp).